The following is an entry in ClinVar:

ClinVar aggregate classification (germline): Benign (1 of 4 stars; one submission).

Conditions:
Peutz-Jeghers syndrome (PJS). Also called: POLYPOSIS, HAMARTOMATOUS INTESTINAL; POLYPS-AND-SPOTS SYNDROME; Peutz-Jeghers polyposis; Periorificial lentiginosis syndrome. Identifiers: Orphanet 2869, MedGen C0031269, MeSH D010580, MONDO:0008280, OMIM 175200.

Submission:

Myriad Genetics, Inc.
Classification: Benign for Peutz-Jeghers syndrome. Last evaluated: 2025-03-27. Review status: criteria provided, single submitter. Criteria: Myriad Autosomal Dominant, Autosomal Recessive and X-Linked Classification Criteria (2023). Collection method: clinical testing. Allele origin: unknown.
Comment: This variant is considered benign. This variant is a silent/synonymous amino acid change and it is not expected to impact splicing.

NM_000455.5(STK11):c.813_816delinsTTAT (p.Ser271_Tyr272=)

Gene: STK11 (serine/threonine kinase 11; plus strand). Cytogenetic location: 19p13.3.
Variant type: Indel.
Coding change: c.813_816delinsTTAT on transcript NM_000455.5 (MANE Select); coding-DNA positions 813 to 816, CTAC replaced by TTAT.
Protein change: p.Ser271_Tyr272=.
Molecular consequence: synonymous variant. On other transcripts: non-coding transcript variant (1).
Genome position (GRCh38, 1-based): chr19:1,221,291-1,221,294, CTAC replaced by TTAT. VCF-style: chr19-1221291-CTAC-TTAT. GRCh37 (hg19) VCF-style: chr19-1221290-CTAC-TTAT.
Other names: c.813_816delinsTTAT, p.Ser271_Tyr272= (NM_001407255.1).
Identifiers: ClinVar variation 3904502 (VCV003904502.1).